The following is an entry in ClinVar:

NM_000388.4(CASR):c.518T>C (p.Leu173Pro)

Gene: CASR (calcium sensing receptor; plus strand). Cytogenetic location: 3q21.1.
Variant type: single nucleotide variant.
Coding change: c.518T>C on transcript NM_000388.4 (MANE Select); coding-DNA position 518, T replaced by C.
Protein change: p.Leu173Pro; replaces leucine 173 with proline.
Molecular consequence: missense variant.
Genome position (GRCh38, 1-based): chr3:122,261,553, T>C. VCF-style: chr3-122261553-T-C. GRCh37 (hg19) VCF-style: chr3-121980400-T-C.
Other names: c.518T>C, p.Leu173Pro (NM_001178065.2); short protein forms L173P.
Identifiers: ClinVar variation 1298934 (VCV001298934.36), dbSNP rs2107631736, ClinGen allele CA354150759.

ClinVar aggregate classification (germline): Pathogenic/Likely pathogenic. Review status: criteria provided, multiple submitters, no conflicts (2 of 4 stars). 2 submissions from 2 submitters: Pathogenic (1); Likely pathogenic (1). Last evaluated 2022-01-17.

Submissions (2):

Athena Diagnostics
Classification: Likely pathogenic. Last evaluated: 2022-01-17. Review status: criteria provided, single submitter. Criteria: Athena Diagnostics Criteria. Collection method: clinical testing. Allele origin: unknown.
Comment: This variant has not been reported in large, multi-ethnic general populations. This variant has been identified in at least one individual with clinical features associated with this gene. Assessment of experimental evidence suggests this variant results in abnormal protein function. Experiments showed this variant caused receptor inactivation (PMID: 22422767, 25420019). Computational tools predict that this variant is damaging.

CeGaT Center for Human Genetics Tuebingen
Classification: Pathogenic. Last evaluated: 2021-07-01. Review status: criteria provided, single submitter. Criteria: CeGaT Center For Human Genetics Tuebingen Variant Classification Criteria Version 2. Collection method: clinical testing. Allele origin: germline. Affected: yes. Observed: 1 variant allele.

Literature cited by the submitters: PubMed 14641934 (cited by Athena Diagnostics); PubMed 15662592 (cited by Athena Diagnostics); PubMed 22422767 (cited by Athena Diagnostics); PubMed 32347971 (cited by Athena Diagnostics); PubMed 25420019 (cited by Athena Diagnostics); PubMed 32150253 (cited by Athena Diagnostics).